The following is an entry in ClinVar:

NM_022114.4(PRDM16):c.756G>A (p.Thr252=)

Gene: PRDM16 (PR/SET domain 16; plus strand). Cytogenetic location: 1p36.32.
Variant type: single nucleotide variant.
Coding change: c.756G>A on transcript NM_022114.4 (MANE Select); coding-DNA position 756, G replaced by A.
Protein change: p.Thr252=; no amino-acid change (threonine 252 retained).
Molecular consequence: synonymous variant.
Genome position (GRCh38, 1-based): chr1:3,402,870, G>A. VCF-style: chr1-3402870-G-A. GRCh37 (hg19) VCF-style: chr1-3319434-G-A.
Other names: c.756G>A, p.Thr252= (NM_199454.3).
Identifiers: ClinVar variation 681655 (VCV000681655.8), dbSNP rs775660693, ClinGen allele CA543954.

ClinVar aggregate classification (germline): Likely benign. Review status: criteria provided, multiple submitters, no conflicts (2 of 4 stars). 2 submissions from 2 submitters: Likely benign (2). Last evaluated 2025-06-08.

Conditions:
Left ventricular noncompaction 8 (LVNC8). Identifiers: Orphanet 154, Orphanet 54260, MedGen C3809288, MONDO:0014152, OMIM 615373.

Allele frequency attached by ClinVar (database versions not stated): gnomAD exomes 0.00001; ExAC 0.00002; gnomAD 0.00002 and 0.00003; TOPMed 0.00002.
gnomAD v4.1: 11 of 1,613,000 alleles (0.00068%); highest among the groups gnomAD compares: Admixed American, 0.005%; no homozygotes.

Submissions (2):

Labcorp Genetics (formerly Invitae), Labcorp
Classification: Likely benign for Left ventricular noncompaction 8. Last evaluated: 2025-06-08. Review status: criteria provided, single submitter. Criteria: Invitae Variant Classification Sherloc (09022015). Collection method: clinical testing. Allele origin: germline.

GeneDx
Classification: Likely benign. Last evaluated: 2018-04-09. Review status: criteria provided, single submitter. Criteria: GeneDx Variant Classification (06012015). Collection method: clinical testing. Allele origin: germline. Affected: yes.
Comment: This variant is considered likely benign or benign based on one or more of the following criteria: it is a conservative change, it occurs at a poorly conserved position in the protein, it is predicted to be benign by multiple in silico algorithms, and/or has population frequency not consistent with disease.